The following is an entry in ClinVar:

NM_000143.4(FH):c.1084G>A (p.Glu362Lys)

Gene: FH (fumarate hydratase; minus strand). Cytogenetic location: 1q43.
Variant type: single nucleotide variant.
Coding change: c.1084G>A on transcript NM_000143.4 (MANE Select); coding-DNA position 1084, G replaced by A.
Protein change: p.Glu362Lys; replaces glutamic acid 362 with lysine.
Molecular consequence: missense variant.
Genome position (GRCh38, 1-based): chr1:241,504,066, C>T on the plus strand (G>A on the coding strand, the complement: FH is on the minus strand). VCF-style: chr1-241504066-C-T. GRCh37 (hg19) VCF-style: chr1-241667366-C-T.
Other names: short protein forms E362K.
Identifiers: ClinVar variation 843573 (VCV000843573.15), dbSNP rs121913119, ClinGen allele CA345437989.
Genomic context (GRCh38, chr1:241,504,066, plus strand): 5'-AGTTTTAGCTCCAACATTTACTAGCTATGTGATTACCTGGCATGATACTGCTTCCTGGTT[C>T]ATTTTCAGGCAAGATCAATTCTCCCAGACCTGACCGAGGACCAGAACCCAAAAATCGAAT-3'
Protein context (NP_000134.2, residues 352-372): GLGELILPEN[Glu362Lys]PGSSIMPGKV

ClinVar aggregate classification (germline): Pathogenic/Likely pathogenic. Review status: criteria provided, multiple submitters, no conflicts (2 of 4 stars). 3 submissions from 3 submitters: Pathogenic (1); Likely pathogenic (2). Last evaluated 2025-10-27.

Conditions:
Hereditary cancer-predisposing syndrome. Also called: Neoplastic Syndromes, Hereditary; Tumor predisposition; Hereditary Cancer Syndrome; Hereditary neoplastic syndrome. Identifiers: Orphanet 140162, MedGen C0027672, MeSH D009386, MONDO:0015356.
Hereditary leiomyomatosis and renal cell cancer. Also called: FH tumor predisposition syndrome; LEIOMYOMA, MULTIPLE CUTANEOUS; MULTIPLE CUTANEOUS AND UTERINE LEIOMYOMATA 1, WITH OR WITHOUT RENAL CELL CARCINOMA; Reed syndrome; Multiple cutaneous and uterine leiomyomatosis; Cutaneous leiomyomata with uterine leiomyomata. Identifiers: Orphanet 523, MedGen C1708350, MONDO:0007888, OMIM 150800, HP:0007437. Disease mechanism: loss of function.

Submissions (3):

Labcorp Genetics (formerly Invitae), Labcorp
Classification: Pathogenic. Last evaluated: 2025-10-27. Review status: criteria provided, single submitter. Criteria: Invitae Variant Classification Sherloc (09022015). Collection method: clinical testing. Allele origin: germline.
Comment: This sequence change replaces glutamic acid, which is acidic and polar, with lysine, which is basic and polar, at codon 362 of the FH protein (p.Glu362Lys). This variant is not present in population databases (gnomAD no frequency). This missense change has been observed in individuals with clinical features of hereditary leiomyomatosis and renal cell cancer (internal data). ClinVar contains an entry for this variant (Variation ID: 843573). Invitae Evidence Modeling of protein sequence and biophysical properties (such as structural, functional, and spatial information, amino acid conservation, physicochemical variation, residue mobility, and thermodynamic stability) indicates that this missense variant is expected to disrupt FH protein function with a positive predictive value of 95%. This variant disrupts the p.Glu362 amino acid residue in FH. Other variant(s) that disrupt this residue have been determined to be pathogenic (PMID: 8200987). This suggests that this residue is clinically significant, and that variants that disrupt this residue are likely to be disease-causing. For these reasons, this variant has been classified as Pathogenic.

Ambry Genetics
Classification: Likely pathogenic for Hereditary cancer-predisposing syndrome. Last evaluated: 2025-09-02. Review status: criteria provided, single submitter. Criteria: Ambry Variant Classification Scheme 2023. Collection method: clinical testing. Allele origin: germline.
Comment: The p.E362K variant (also known as c.1084G>A), located in coding exon 7 of the FH gene, results from a G to A substitution at nucleotide position 1084. The glutamic acid at codon 362 is replaced by lysine, an amino acid with similar properties. This alteration has been observed in at least one individual who has a personal or family history that is consistent with FH-associated disease and segregates with disease in one family member (Ambry internal data). A different amino acid substitution at the same position, FH p.E362Q, was identified in a homozygous state in two siblings with fumarase deficiency whose heterozygous parents had reduced blood fumarase activity (Bourgeron T et al. J. Clin. Invest., 1994 Jun;93:2514-8). This amino acid position is highly conserved in available vertebrate species. In addition, this alteration is predicted to be deleterious by in silico analysis. This variant is considered to be rare based on population cohorts in the Genome Aggregation Database (gnomAD). Based on the majority of available evidence to date, this variant is likely to be pathogenic.

Myriad Genetics, Inc.
Classification: Likely pathogenic for Hereditary leiomyomatosis and renal cell cancer. Last evaluated: 2023-07-10. Review status: criteria provided, single submitter. Criteria: Myriad Autosomal Dominant, Autosomal Recessive and X-Linked Classification Criteria (2023). Collection method: clinical testing. Allele origin: unknown.
Comment: This variant is considered likely pathogenic. Functional studies indicate this variant impacts protein function. This variant is expected to disrupt protein structure [Myriad internal data].

Literature cited by the submitters: PubMed 8200987 (cited by Labcorp Genetics (formerly Invitae), Labcorp and Ambry Genetics).